The following is an entry in ClinVar:

ClinVar aggregate classification (germline): Uncertain significance. Review status: criteria provided, multiple submitters, no conflicts (2 of 4 stars). 4 submissions from 4 submitters: Uncertain significance (4). Last evaluated 2025-12-21.

Conditions:
Hereditary cancer-predisposing syndrome. Also called: Tumor predisposition; Hereditary neoplastic syndrome; Neoplastic Syndromes, Hereditary; Hereditary Cancer Syndrome. Identifiers: Orphanet 140162, MedGen C0027672, MeSH D009386, MONDO:0015356.
Familial cancer of breast. Also called: BREAST CANCER, FAMILIAL; hereditary breast carcinoma; Hereditary breast cancer. Identifiers: Orphanet 227535, MedGen C0346153, MONDO:0016419, OMIM 114480. Disease mechanism: loss of function.
Fanconi anemia complementation group J. Also called: BRIP1-Related Fanconi Anemia. Identifiers: Orphanet 84, MedGen C1836860, MONDO:0012187, OMIM 609054.

Allele frequency attached by ClinVar (database versions not stated): gnomAD 0.00001; TOPMed 0.00001; gnomAD exomes 0.00001.
gnomAD v4.1: 13 of 1,612,904 alleles (0.00081%); highest among the groups gnomAD compares: Non-Finnish European, 0.0011%; no homozygotes.

Submissions (4):

Ambry Genetics
Classification: Uncertain significance for Hereditary cancer-predisposing syndrome. Last evaluated: 2025-12-21. Review status: criteria provided, single submitter. Criteria: Ambry Variant Classification Scheme 2023. Collection method: clinical testing. Allele origin: germline.
Comment: The p.I10T variant (also known as c.29T>C), located in coding exon 1 of the BRIP1 gene, results from a T to C substitution at nucleotide position 29. The isoleucine at codon 10 is replaced by threonine, an amino acid with similar properties. This amino acid position is highly conserved in available vertebrate species. In addition, this alteration is predicted to be deleterious by in silico analysis. Since supporting evidence is limited at this time, the clinical significance of this alteration remains unclear.

Labcorp Genetics (formerly Invitae), Labcorp
Classification: Uncertain significance for Familial cancer of breast; Fanconi anemia complementation group J. Last evaluated: 2025-11-23. Review status: criteria provided, single submitter. Criteria: Invitae Variant Classification Sherloc (09022015). Collection method: clinical testing. Allele origin: germline.
Comment: This sequence change replaces isoleucine, which is neutral and non-polar, with threonine, which is neutral and polar, at codon 10 of the BRIP1 protein (p.Ile10Thr). This variant is not present in population databases (gnomAD no frequency). This variant has not been reported in the literature in individuals affected with BRIP1-related conditions. ClinVar contains an entry for this variant (Variation ID: 187032). Invitae Evidence Modeling of protein sequence and biophysical properties (such as structural, functional, and spatial information, amino acid conservation, physicochemical variation, residue mobility, and thermodynamic stability) has been performed for this missense variant. However, the output from this modeling did not meet the statistical confidence thresholds required to predict the impact of this variant on BRIP1 protein function. In summary, the available evidence is currently insufficient to determine the role of this variant in disease. Therefore, it has been classified as a Variant of Uncertain Significance.

Color Diagnostics, LLC DBA Color Health
Classification: Uncertain significance for Hereditary cancer-predisposing syndrome. Last evaluated: 2022-06-13. Review status: criteria provided, single submitter. Criteria: ACMG Guidelines, 2015. Collection method: clinical testing. Allele origin: germline.
Comment: This missense variant replaces isoleucine with threonine at codon 10 of the BRIP1 protein. Computational prediction suggests that this variant may have deleterious impact on protein structure and function (internally defined REVEL score threshold >= 0.7, PMID: 27666373). To our knowledge, functional studies have not been reported for this variant. This variant has not been reported in individuals affected with hereditary cancer in the literature. This variant has not been identified in the general population by the Genome Aggregation Database (gnomAD). The available evidence is insufficient to determine the role of this variant in disease conclusively. Therefore, this variant is classified as a Variant of Uncertain Significance.

GeneDx
Classification: Uncertain significance. Last evaluated: 2019-08-08. Review status: criteria provided, single submitter. Criteria: GeneDx Variant Classification Process June 2021. Collection method: clinical testing. Allele origin: germline. Affected: yes.
Comment: Not observed in large population cohorts (Lek et al., 2016); In silico analysis, which includes protein predictors and evolutionary conservation, supports a deleterious effect; Has not been previously published as pathogenic or benign to our knowledge

NM_032043.3(BRIP1):c.29T>C (p.Ile10Thr)

Gene: BRIP1 (BRCA1 interacting DNA helicase 1; minus strand). Cytogenetic location: 17q23.2.
Variant type: single nucleotide variant.
Coding change: c.29T>C on transcript NM_032043.3 (MANE Select); coding-DNA position 29, T replaced by C.
Protein change: p.Ile10Thr; replaces isoleucine 10 with threonine.
Molecular consequence: missense variant.
Genome position (GRCh38, 1-based): chr17:61,861,511, A>G on the plus strand (T>C on the coding strand, the complement: BRIP1 is on the minus strand). VCF-style: chr17-61861511-A-G. GRCh37 (hg19) VCF-style: chr17-59938872-A-G.
Other names: short protein forms I10T.
Identifiers: ClinVar variation 187032 (VCV000187032.21), dbSNP rs786203418, ClinGen allele CA196556.